The following is an entry in ClinVar:

NM_170606.3(KMT2C):c.5990G>A (p.Gly1997Asp)

Gene: KMT2C (lysine methyltransferase 2C; minus strand). Cytogenetic location: 7q36.1.
Variant type: single nucleotide variant.
Coding change: c.5990G>A on transcript NM_170606.3 (MANE Select); coding-DNA position 5990, G replaced by A.
Protein change: p.Gly1997Asp; replaces glycine 1997 with aspartic acid.
Molecular consequence: missense variant.
Genome position (GRCh38, 1-based): chr7:152,181,870, C>T on the plus strand (G>A on the coding strand, the complement: KMT2C is on the minus strand). VCF-style: chr7-152181870-C-T. GRCh37 (hg19) VCF-style: chr7-151878955-C-T.
Other names: c.5990G>A (NM_170606.2); short protein forms G1997D.
Identifiers: ClinVar variation 3067453 (VCV003067453.22), dbSNP rs766793648, ClinGen allele CA4580150.

ClinVar aggregate classification (germline): Conflicting classifications of pathogenicity. Review status: criteria provided, conflicting classifications (1 of 4 stars). 2 submissions from 2 submitters: Uncertain significance (1); Likely benign (1). Last evaluated 2024-03-19.

Conditions:
Inborn genetic diseases. Identifiers: MedGen C0950123, MeSH D030342.

Allele frequency attached by ClinVar (database versions not stated): ExAC 0.00001; gnomAD exomes 0.00001; gnomAD 0.00002; TOPMed 0.00002.
gnomAD v4.1: 15 of 1,613,964 alleles (0.00093%); highest among the groups gnomAD compares: African/African-American, 0.0013%; no homozygotes.

Submissions (2):

Ambry Genetics
Classification: Uncertain significance for Inborn genetic diseases. Last evaluated: 2024-03-19. Review status: criteria provided, single submitter. Criteria: Ambry Variant Classification Scheme 2023. Collection method: clinical testing. Allele origin: germline.

CeGaT Center for Human Genetics Tuebingen
Classification: Likely benign. Last evaluated: 2024-03-01. Review status: criteria provided, single submitter. Criteria: CeGaT Center For Human Genetics Tuebingen Variant Classification Criteria Version 2. Collection method: clinical testing. Allele origin: germline. Affected: yes. Observed: 2 variant alleles.
Comment: KMT2C: BP4